The following is an entry in ClinVar:

NM_001282531.3(ADNP):c.3144G>T (p.Lys1048Asn)

Gene: ADNP (activity dependent neuroprotector homeobox; minus strand). Cytogenetic location: 20q13.13.
Variant type: single nucleotide variant.
Coding change: c.3144G>T on transcript NM_001282531.3 (MANE Select); coding-DNA position 3144, G replaced by T.
Protein change: p.Lys1048Asn; replaces lysine 1048 with asparagine.
Molecular consequence: missense variant.
Genome position (GRCh38, 1-based): chr20:50,891,570, C>A on the plus strand (G>T on the coding strand, the complement: ADNP is on the minus strand). VCF-style: chr20-50891570-C-A. GRCh37 (hg19) VCF-style: chr20-49508107-C-A.
Other names: c.3144G>T, p.Lys1048Asn (NM_001282532.2, NM_001347511.2, NM_015339.5 and 1 more transcripts); short protein forms K1048N.
Identifiers: ClinVar variation 2086122 (VCV002086122.4), dbSNP rs1165275789, ClinGen allele CA408966989.
Genomic context (GRCh38, chr20:50,891,570, plus strand): 5'-TGTGCTATTCTGCCACTCAATCTGGGGGTTAGATAAGCGCTCATCATTCTCAGATGCATT[C>A]TTCCACTGTGACTGGTCCTTAGACCAAAACCCTTCAACTTTTCCATAGGAACTATTCTTC-3'
Protein context (NP_001269460.1, residues 1038-1058): GFWSKDQSQW[Lys1048Asn]NASENDERLS

ClinVar aggregate classification (germline): Uncertain significance (1 of 4 stars; one submission).

Allele frequency attached by ClinVar (database versions not stated): gnomAD 0.00001.
gnomAD v4.1: 1 of 1,612,702 alleles (0.000062%); highest among the groups gnomAD compares: Admixed American, 0.0017%; no homozygotes.

Submission:

Labcorp Genetics (formerly Invitae), Labcorp
Classification: Uncertain significance. Last evaluated: 2024-10-21. Review status: criteria provided, single submitter. Criteria: Invitae Variant Classification Sherloc (09022015). Collection method: clinical testing. Allele origin: germline.
Comment: This sequence change replaces lysine, which is basic and polar, with asparagine, which is neutral and polar, at codon 1048 of the ADNP protein (p.Lys1048Asn). This variant is present in population databases (no rsID available, gnomAD 0.1%). This variant has not been reported in the literature in individuals affected with ADNP-related conditions. ClinVar contains an entry for this variant (Variation ID: 2086122). An algorithm developed to predict the effect of missense changes on protein structure and function (PolyPhen-2) suggests that this variant is likely to be tolerated. In summary, the available evidence is currently insufficient to determine the role of this variant in disease. Therefore, it has been classified as a Variant of Uncertain Significance.